The following is an entry in ClinVar:

ClinVar aggregate classification (germline): Uncertain significance (1 of 4 stars; one submission).

Allele frequency attached by ClinVar (database versions not stated): gnomAD 0.00001; TOPMed 0.00001; ExAC 0.00002.
gnomAD v4.1: 19 of 1,613,482 alleles (0.0012%); highest among the groups gnomAD compares: South Asian, 0.018%; no homozygotes.

Submission:

Labcorp Genetics (formerly Invitae), Labcorp
Classification: Uncertain significance. Last evaluated: 2023-12-02. Review status: criteria provided, single submitter. Criteria: Invitae Variant Classification Sherloc (09022015). Collection method: clinical testing. Allele origin: germline.
Comment: This sequence change replaces valine, which is neutral and non-polar, with leucine, which is neutral and non-polar, at codon 27 of the HNF1B protein (p.Val27Leu). This variant is present in population databases (rs747555052, gnomAD 0.02%). This missense change has been observed in individual(s) with hyperinsulinemic hypoglycemia (PMID: 32782239). Advanced modeling of protein sequence and biophysical properties (such as structural, functional, and spatial information, amino acid conservation, physicochemical variation, residue mobility, and thermodynamic stability) performed at Invitae indicates that this missense variant is not expected to disrupt HNF1B protein function with a negative predictive value of 80%. In summary, the available evidence is currently insufficient to determine the role of this variant in disease. Therefore, it has been classified as a Variant of Uncertain Significance.

Literature cited by the submitters: PubMed 32782239.

NM_000458.4(HNF1B):c.79G>C (p.Val27Leu)

Gene: HNF1B (HNF1 homeobox B; minus strand). Cytogenetic location: 17q12.
Variant type: single nucleotide variant.
Coding change: c.79G>C on transcript NM_000458.4 (MANE Select); coding-DNA position 79, G replaced by C.
Protein change: p.Val27Leu; replaces valine 27 with leucine.
Molecular consequence: missense variant.
Genome position (GRCh38, 1-based): chr17:37,744,806, C>G on the plus strand (G>C on the coding strand, the complement: HNF1B is on the minus strand). VCF-style: chr17-37744806-C-G. GRCh37 (hg19) VCF-style: chr17-36104797-C-G.
Other names: c.79G>C, p.Val27Leu (NM_001165923.4, NM_001304286.2, NM_001411100.1); short protein forms V27L.
Identifiers: ClinVar variation 2848338 (VCV002848338.1), dbSNP rs747555052, ClinGen allele CA8519159.